The following is an entry in ClinVar:

ClinVar aggregate classification (germline): Uncertain significance. Review status: criteria provided, multiple submitters, no conflicts (2 of 4 stars). 2 submissions from 2 submitters: Uncertain significance (2). Last evaluated 2021-01-18.

Conditions:
POLD1-related polyposis and colorectal cancer syndrome (CRCS10). Also called: Colorectal cancer, susceptibility to, 10; Colorectal cancer 10; COLORECTAL CANCER, SUSCEPTIBILITY TO, ON CHROMOSOME 19q. Identifiers: Orphanet 220460, MedGen C2675481, MONDO:0012953, OMIM 612591.

Submissions (2):

Labcorp Genetics (formerly Invitae), Labcorp
Classification: Uncertain significance for POLD1-related polyposis and colorectal cancer syndrome. Last evaluated: 2021-01-18. Review status: criteria provided, single submitter. Criteria: Invitae Variant Classification Sherloc (09022015). Collection method: clinical testing. Allele origin: germline.
Comment: In summary, the available evidence is currently insufficient to determine the role of this variant in disease. Therefore, it has been classified as a Variant of Uncertain Significance. Algorithms developed to predict the effect of missense changes on protein structure and function (SIFT, PolyPhen-2, Align-GVGD) all suggest that this variant is likely to be tolerated, but these predictions have not been confirmed by published functional studies and their clinical significance is uncertain. This variant is not present in population databases (ExAC no frequency). This variant has not been reported in the literature in individuals with POLD1-related conditions. This sequence change replaces phenylalanine with isoleucine at codon 1028 of the POLD1 protein (p.Phe1028Ile). The phenylalanine residue is weakly conserved and there is a small physicochemical difference between phenylalanine and isoleucine.

GeneDx
Classification: Uncertain significance. Last evaluated: 2019-05-28. Review status: criteria provided, single submitter. Criteria: GeneDx Variant Classification Process June 2021. Collection method: clinical testing. Allele origin: germline. Affected: yes.
Comment: Not observed in large population cohorts (Lek et al., 2016); Has not been previously published as pathogenic or benign to our knowledge

NM_002691.4(POLD1):c.3082T>A (p.Phe1028Ile)

Gene: POLD1 (DNA polymerase delta 1, catalytic subunit; plus strand). Cytogenetic location: 19q13.33.
Variant type: single nucleotide variant.
Coding change: c.3082T>A on transcript NM_002691.4 (MANE Select); coding-DNA position 3082, T replaced by A.
Protein change: p.Phe1028Ile; replaces phenylalanine 1028 with isoleucine.
Molecular consequence: missense variant. On other transcripts: non-coding transcript variant (1).
Genome position (GRCh38, 1-based): chr19:50,417,059, T>A. VCF-style: chr19-50417059-T-A. GRCh37 (hg19) VCF-style: chr19-50920316-T-A.
Other names: c.3082T>A, p.Phe1028Ile (NM_001256849.1); c.3160T>A, p.Phe1054Ile (NM_001308632.1); short protein forms F1028I, F1054I.
Identifiers: ClinVar variation 1306264 (VCV001306264.9), dbSNP rs2122503579, ClinGen allele CA406987078.